The following is an entry in ClinVar:

NM_001164508.2(NEB):c.9052G>T (p.Asp3018Tyr)

Gene: NEB (nebulin; minus strand). Cytogenetic location: 2q23.3.
Variant type: single nucleotide variant.
Coding change: c.9052G>T on transcript NM_001164508.2 (MANE Select); coding-DNA position 9052, G replaced by T.
Protein change: p.Asp3018Tyr; replaces aspartic acid 3018 with tyrosine.
Molecular consequence: missense variant. On other transcripts: intron variant (1).
Genome position (GRCh38, 1-based): chr2:151,636,277, C>A on the plus strand (G>T on the coding strand, the complement: NEB is on the minus strand). VCF-style: chr2-151636277-C-A. GRCh37 (hg19) VCF-style: chr2-152492791-C-A.
Other names: c.9052G>T, p.Asp3018Tyr (NM_001164507.2, NM_001271208.2); c.8853+3616G>T (NM_004543.5); short protein forms D3018Y.
Identifiers: ClinVar variation 2080995 (VCV002080995.1), dbSNP rs192098032, ClinGen allele CA348805449.
Genomic context (GRCh38, chr2:151,636,277, plus strand): 5'-GACAACTCACGTCACTGATGATGTCCCTGGAGGCCTTGGCCGCCACGATGGGGATGGCGT[C>A]GCTTCGCAAGTCATAGCCTTTCTTCTTTGCTTCTTCATTAGCAAGTTTGTACAGACTCTA-3'
Protein context (NP_001157980.2, residues 3008-3028): AKKKGYDLRS[Asp3018Tyr]AIPIVAAKAS

ClinVar aggregate classification (germline): Uncertain significance (1 of 4 stars; one submission).

Conditions:
Nemaline myopathy 2 (NEM2). Also called: Nemaline myopathy 2, autosomal recessive. Identifiers: MedGen C1850569, MONDO:0009725, OMIM 256030.

gnomAD v4.1: 2 of 1,610,212 alleles (0.00012%); highest among the groups gnomAD compares: Admixed American, 0.0033%; no homozygotes.

Submission:

Labcorp Genetics (formerly Invitae), Labcorp
Classification: Uncertain significance for Nemaline myopathy 2. Last evaluated: 2022-04-18. Review status: criteria provided, single submitter. Criteria: Invitae Variant Classification Sherloc (09022015). Collection method: clinical testing. Allele origin: germline.
Comment: This sequence change replaces aspartic acid, which is acidic and polar, with tyrosine, which is neutral and polar, at codon 3018 of the NEB protein (p.Asp3018Tyr). This variant is not present in population databases (gnomAD no frequency). This variant has not been reported in the literature in individuals affected with NEB-related conditions. Algorithms developed to predict the effect of missense changes on protein structure and function are either unavailable or do not agree on the potential impact of this missense change (SIFT: "Deleterious"; PolyPhen-2: "Not Available"; Align-GVGD: "Class C0"). In summary, the available evidence is currently insufficient to determine the role of this variant in disease. Therefore, it has been classified as a Variant of Uncertain Significance.